The following is an entry in ClinVar:

ClinVar aggregate classification (germline): Likely benign (1 of 4 stars; one submission).

Submission:

CeGaT Center for Human Genetics Tuebingen
Classification: Likely benign. Last evaluated: 2026-07-01. Review status: criteria provided, single submitter. Criteria: CeGaT Center For Human Genetics Tuebingen Variant Classification Criteria Version 2. Collection method: clinical testing. Allele origin: germline. Affected: yes. Observed: 12 variant alleles.
Comment: SOS1: BS1

NM_005633.4(SOS1):c.-582CGG[3]

Gene: SOS1 (SOS Ras/Rac guanine nucleotide exchange factor 1; minus strand). Cytogenetic location: 2p22.1.
Variant type: Microsatellite.
Coding change: c.-582CGG[3] on transcript NM_005633.4 (MANE Select); three copies in a row of the 3-base unit CGG starting at c.-582; the reference has four copies in a row; one copy, 3 bases deleted.
Molecular consequence: 5 prime UTR variant. On other transcripts: intron variant (1).
Genome position (GRCh38, 1-based): chr2:39,120,993-39,120,995, CCG deleted on the plus strand (CGG on the coding strand, the reverse complement: SOS1 is on the minus strand); deleting any 3 consecutive bases within chr2:39,120,993-39,121,004 gives the same sequence; the position shown is the placement nearest the transcript's 3' end. VCF-style (leftmost placement, unchanged base first): chr2-39120992-ACCG-A. GRCh37 (hg19) VCF-style: chr2-39348133-ACCG-A.
Other names: c.-582CGG[3] (NM_001382395.1); c.66+3660CGG[3] (NM_001382394.1).
Identifiers: ClinVar variation 4533405 (VCV004533405.6).